The following is an entry in ClinVar:

ClinVar aggregate classification (germline): Uncertain significance. Review status: criteria provided, multiple submitters, no conflicts (2 of 4 stars). 2 submissions from 2 submitters: Uncertain significance (2). Last evaluated 2024-12-03.

Conditions:
Seizures, benign familial infantile, 3 (BFIS3). Also called: CONVULSIONS, BENIGN FAMILIAL INFANTILE, 3; Familial neonatal seizures. Identifiers: Orphanet 140927, Orphanet 306, MedGen C1843140, MONDO:0011904, OMIM 607745.
Developmental and epileptic encephalopathy, 11 (DEE11). Also called: Early infantile epileptic encephalopathy 11. Identifiers: Orphanet 1934, MedGen C3150987, MONDO:0013388, OMIM 613721.

gnomAD v4.1: 2 of 1,614,154 alleles (0.00012%); highest among the groups gnomAD compares: East Asian, 0.0022%; no homozygotes.

Submissions (2):

Labcorp Genetics (formerly Invitae), Labcorp
Classification: Uncertain significance for Seizures, benign familial infantile, 3; Developmental and epileptic encephalopathy, 11. Last evaluated: 2024-12-03. Review status: criteria provided, single submitter. Criteria: Invitae Variant Classification Sherloc (09022015). Collection method: clinical testing. Allele origin: germline.
Comment: This sequence change replaces histidine, which is basic and polar, with asparagine, which is neutral and polar, at codon 926 of the SCN2A protein (p.His926Asn). This variant is present in population databases (rs765106343, gnomAD 0.006%). This variant has not been reported in the literature in individuals affected with SCN2A-related conditions. Invitae Evidence Modeling of protein sequence and biophysical properties (such as structural, functional, and spatial information, amino acid conservation, physicochemical variation, residue mobility, and thermodynamic stability) indicates that this missense variant is not expected to disrupt SCN2A protein function with a negative predictive value of 95%. In summary, the available evidence is currently insufficient to determine the role of this variant in disease. Therefore, it has been classified as a Variant of Uncertain Significance.

GeneDx
Classification: Uncertain significance. Last evaluated: 2024-11-20. Review status: criteria provided, single submitter. Criteria: GeneDx Variant Classification Process June 2021. Collection method: clinical testing. Allele origin: germline. Affected: yes.
Comment: Not observed at significant frequency in large population cohorts (gnomAD); This substitution is predicted to be within the extracellular loop between the S5 and S6 transmembrane segments of the second homologous domain; In silico analysis indicates that this missense variant does not alter protein structure/function; Has not been previously published as pathogenic or benign to our knowledge

NM_001040142.2(SCN2A):c.2776C>A (p.His926Asn)

Gene: SCN2A (sodium voltage-gated channel alpha subunit 2; plus strand). Cytogenetic location: 2q24.3.
Variant type: single nucleotide variant.
Coding change: c.2776C>A on transcript NM_001040142.2 (MANE Select); coding-DNA position 2776, C replaced by A.
Protein change: p.His926Asn; replaces histidine 926 with asparagine.
Molecular consequence: missense variant.
Genome position (GRCh38, 1-based): chr2:165,344,768, C>A. VCF-style: chr2-165344768-C-A. GRCh37 (hg19) VCF-style: chr2-166201278-C-A.
Other names: c.2776C>A (NM_021007.2); c.2776C>A, p.His926Asn (NM_001040143.2, NM_001371246.1, NM_001371247.1 and 1 more transcripts); short protein forms H926N.
Identifiers: ClinVar variation 3763166 (VCV003763166.3).